The following is an entry in ClinVar:

ClinVar aggregate classification (germline): Likely benign. Review status: criteria provided, multiple submitters, no conflicts (2 of 4 stars). 3 submissions from 3 submitters: Likely benign (3). Last evaluated 2026-05-29.

Conditions:
Brugada syndrome. Also called: Sudden unexpected nocturnal death syndrome; Sudden Unexplained Death Syndrome; Sudden Unexplained Nocturnal Death Syndrome (SUNDS); Sudden unexplained nocturnal death syndrome. Identifiers: Orphanet 130, MedGen C1142166, MONDO:0015263.
SCN10A-related disorder. Also called: SCN10A-related condition.
Cardiovascular phenotype. Identifiers: MedGen CN230736.

Allele frequency attached by ClinVar (database versions not stated): TOPMed below 0.00001; gnomAD exomes 0.00001.
gnomAD v4.1: 13 of 1,614,160 alleles (0.00081%); highest among the groups gnomAD compares: East Asian, 0.0022%; no homozygotes.

Submissions (3):

PreventionGenetics, part of Exact Sciences
Classification: Likely benign for SCN10A-related condition. Last evaluated: 2026-05-29. Review status: criteria provided, single submitter. Criteria: ACMG Guidelines, 2015. Collection method: clinical testing. Allele origin: germline.
Comment: This variant is classified as likely benign based on ACMG/AMP sequence variant interpretation guidelines (Richards et al. 2015 PMID: 25741868, with internal and published modifications).

Labcorp Genetics (formerly Invitae), Labcorp
Classification: Likely benign for Brugada syndrome. Last evaluated: 2026-01-14. Review status: criteria provided, single submitter. Criteria: Invitae Variant Classification Sherloc (09022015). Collection method: clinical testing. Allele origin: germline.

Ambry Genetics
Classification: Likely benign for Cardiovascular phenotype. Last evaluated: 2019-06-29. Review status: criteria provided, single submitter. Criteria: Ambry Variant Classification Scheme 2023. Collection method: clinical testing. Allele origin: germline.

NM_006514.4(SCN10A):c.2340C>T (p.Ile780=)

Gene: SCN10A (sodium voltage-gated channel alpha subunit 10; minus strand). Cytogenetic location: 3p22.2.
Variant type: single nucleotide variant.
Coding change: c.2340C>T on transcript NM_006514.4 (MANE Select); coding-DNA position 2340, C replaced by T.
Protein change: p.Ile780=; no amino-acid change (isoleucine 780 retained).
Molecular consequence: synonymous variant.
Genome position (GRCh38, 1-based): chr3:38,728,842, G>A on the plus strand (C>T on the coding strand, the complement: SCN10A is on the minus strand). VCF-style: chr3-38728842-G-A. GRCh37 (hg19) VCF-style: chr3-38770333-G-A.
Other names: c.2340C>T, p.Ile780= (NM_001293306.2); c.2046C>T, p.Ile682= (NM_001293307.2).
Identifiers: ClinVar variation 697507 (VCV000697507.11), dbSNP rs370722965, ClinGen allele CA72962122.